The following is an entry in ClinVar:

NM_001370259.2(MEN1):c.1389G>C (p.Glu463Asp)

Gene: MEN1 (menin 1; minus strand). Cytogenetic location: 11q13.1.
Variant type: single nucleotide variant.
Coding change: c.1389G>C on transcript NM_001370259.2 (MANE Select); coding-DNA position 1389, G replaced by C.
Protein change: p.Glu463Asp; replaces glutamic acid 463 with aspartic acid.
Molecular consequence: missense variant.
Genome position (GRCh38, 1-based): chr11:64,804,778, C>G on the plus strand (G>C on the coding strand, the complement: MEN1 is on the minus strand). VCF-style: chr11-64804778-C-G. GRCh37 (hg19) VCF-style: chr11-64572250-C-G.
Other names: c.1404G>C, p.Glu468Asp (NM_000244.4, NM_130800.3, NM_130801.3 and 3 more transcripts); c.1515G>C, p.Glu505Asp (NM_001370251.2); c.1389G>C, p.Glu463Asp (NM_001370260.2, NM_001370261.2, NM_130799.3); c.1284G>C, p.Glu428Asp (NM_001370262.2, NM_001370263.2); short protein forms E463D, E468D, E505D, E428D.
Identifiers: ClinVar variation 457292 (VCV000457292.8), dbSNP rs1555163863, ClinGen allele CA381179724.

ClinVar aggregate classification (germline): Uncertain significance (1 of 4 stars; one submission).

Conditions:
Multiple endocrine neoplasia, type 1 (MEN1). Also called: MEN I; WERMER SYNDROME; Endocrine adenomatosis multiple; MEN 1; MEA I. Identifiers: Orphanet 652, MedGen C0025267, MeSH D018761, MONDO:0007540, OMIM 131100.

Submission:

Labcorp Genetics (formerly Invitae), Labcorp
Classification: Uncertain significance for Multiple endocrine neoplasia, type 1. Last evaluated: 2025-07-17. Review status: criteria provided, single submitter. Criteria: Invitae Variant Classification Sherloc (09022015). Collection method: clinical testing. Allele origin: germline.
Comment: This sequence change replaces glutamic acid, which is acidic and polar, with aspartic acid, which is acidic and polar, at codon 463 of the MEN1 protein (p.Glu463Asp). This variant is not present in population databases (gnomAD no frequency). This variant has not been reported in the literature in individuals affected with MEN1-related conditions. ClinVar contains an entry for this variant (Variation ID: 457292). Invitae Evidence Modeling of protein sequence and biophysical properties (such as structural, functional, and spatial information, amino acid conservation, physicochemical variation, residue mobility, and thermodynamic stability) indicates that this missense variant is not expected to disrupt MEN1 protein function with a negative predictive value of 95%. In summary, the available evidence is currently insufficient to determine the role of this variant in disease. Therefore, it has been classified as a Variant of Uncertain Significance.